The following is an entry in ClinVar:

ClinVar aggregate classification (germline): Likely pathogenic (1 of 4 stars; one submission).

Conditions:
Mucopolysaccharidosis, MPS-III-B (MPS3B). Also called: N-ACETYL-ALPHA-D-GLUCOSAMINIDASE DEFICIENCY; NAGLU DEFICIENCY; SANFILIPPO SYNDROME B; MPS III B; MUCOPOLYSACCHARIDOSIS, TYPE IIIB; Mucopolysaccharidosis type IIIB (Sanfilippo B). Identifiers: Orphanet 79270, MedGen C0086648, MONDO:0009656, OMIM 252920.

Submission:

3billion
Classification: Likely pathogenic for Mucopolysaccharidosis, MPS-III-B. Last evaluated: 2024-06-28. Review status: criteria provided, single submitter. Criteria: ACMG Guidelines, 2015. Collection method: clinical testing. Allele origin: germline. Affected: yes.
Comment: The variant is not observed in the gnomAD v4.0.0 dataset. Predicted Consequence/Location: Missense variant In silico tool predictions suggest damaging effect of the variant on gene or gene product [REVEL: 0.85 (>=0.6, sensitivity 0.68 and specificity 0.92); 3Cnet: 0.74 (>=0.6, sensitivity 0.72 and precision 0.9)]. A different missense change at the same codon (p.Arg38Trp) has been reported as pathogenic/likely pathogenic with strong evidence (ClinVar ID: VCV002138020 /PMID: 16151907). Therefore, this variant is classified as Likely pathogenic according to the recommendation of ACMG/AMP guideline.

Literature cited by the submitters: PubMed 16151907.

NM_000263.4(NAGLU):c.113G>A (p.Arg38Gln)

Genes: NAGLU (N-acetyl-alpha-glucosaminidase; plus strand), LOC130060903 (ATAC-STARR-seq lymphoblastoid silent region 8533; plus strand). Cytogenetic location: 17q21.2.
Variant type: single nucleotide variant.
Coding change: c.113G>A on transcript NM_000263.4 (MANE Select); coding-DNA position 113, G replaced by A.
Protein change: p.Arg38Gln; replaces arginine 38 with glutamine.
Molecular consequence: missense variant.
Genome position (GRCh38, 1-based): chr17:42,536,385, G>A. VCF-style: chr17-42536385-G-A. GRCh37 (hg19) VCF-style: chr17-40688403-G-A.
Other names: short protein forms R38Q.
Identifiers: ClinVar variation 4293318 (VCV004293318.1).